The following is an entry in ClinVar:

NM_018136.5(ASPM):c.5856G>A (p.Leu1952=)

Gene: ASPM (assembly factor for spindle microtubules; minus strand). Cytogenetic location: 1q31.3.
Variant type: single nucleotide variant.
Coding change: c.5856G>A on transcript NM_018136.5 (MANE Select); coding-DNA position 5856, G replaced by A.
Protein change: p.Leu1952=; no amino-acid change (leucine 1952 retained).
Molecular consequence: synonymous variant. On other transcripts: intron variant (1).
Genome position (GRCh38, 1-based): chr1:197,103,395, C>T on the plus strand (G>A on the coding strand, the complement: ASPM is on the minus strand). VCF-style: chr1-197103395-C-T. GRCh37 (hg19) VCF-style: chr1-197072525-C-T.
Other names: c.4066-7231G>A (NM_001206846.2).
Identifiers: ClinVar variation 4979986 (VCV004979986.1).

ClinVar aggregate classification (germline): Likely benign (1 of 4 stars; one submission).

Conditions:
ASPM-related disorder. Also called: ASPM-related condition.

gnomAD v4.1: 10 of 1,613,240 alleles (0.00062%); highest among the groups gnomAD compares: Non-Finnish European, 0.00085%; no homozygotes.

Submission:

PreventionGenetics, part of Exact Sciences
Classification: Likely benign for ASPM-related condition. Last evaluated: 2026-09-13. Review status: criteria provided, single submitter. Criteria: ACMG Guidelines, 2015. Collection method: clinical testing. Allele origin: germline.
Comment: This variant is classified as likely benign based on ACMG/AMP sequence variant interpretation guidelines (Richards et al. 2015 PMID: 25741868, with internal and published modifications).